The following is an entry in ClinVar:

NM_000548.5(TSC2):c.2742+6C>G

Gene: TSC2 (TSC complex subunit 2; plus strand). Cytogenetic location: 16p13.3.
Variant type: single nucleotide variant.
Coding change: c.2742+6C>G on transcript NM_000548.5 (MANE Select); 6 bases into the intron after coding-DNA position 2742, C replaced by G.
Molecular consequence: intron variant.
Genome position (GRCh38, 1-based): chr16:2,076,176, C>G. VCF-style: chr16-2076176-C-G. GRCh37 (hg19) VCF-style: chr16-2126177-C-G.
Other names: c.2742+6C>G (NM_001114382.3, NM_021055.3, NM_001370405.1 and 3 more transcripts); c.2631+6C>G (NM_001318827.2); c.2142+6C>G (NM_001318831.2); c.2595+6C>G (NM_001318829.2); c.2775+6C>G (NM_001318832.2).
Identifiers: ClinVar variation 384425 (VCV000384425.15), dbSNP rs377568673, ClinGen allele CA16607312.

ClinVar aggregate classification (germline): Conflicting classifications of pathogenicity. Review status: criteria provided, conflicting classifications (1 of 4 stars). 4 submissions from 4 submitters: Uncertain significance (1); Likely benign (3). Last evaluated 2025-11-17.

Conditions:
Tuberous sclerosis 2 (TSC2). Identifiers: Orphanet 805, MedGen C1860707, MONDO:0013199, OMIM 613254.
Tuberous sclerosis syndrome (TSC). Also called: Tuberous sclerosis; Tuberous Sclerosis Complex. Identifiers: Orphanet 805, MedGen C0041341, MONDO:0001734.

gnomAD v4.1: 2 of 1,613,520 alleles (0.00012%); highest among the groups gnomAD compares: Admixed American, 0.0017%; no homozygotes.

Submissions (4):

Labcorp Genetics (formerly Invitae), Labcorp
Classification: Likely benign for Tuberous sclerosis 2. Last evaluated: 2025-11-17. Review status: criteria provided, single submitter. Criteria: Invitae Variant Classification Sherloc (09022015). Collection method: clinical testing. Allele origin: germline.

Color Diagnostics, LLC DBA Color Health
Classification: Uncertain significance for Tuberous sclerosis syndrome. Last evaluated: 2025-06-25. Review status: criteria provided, single submitter. Criteria: ACMG Guidelines, 2015. Collection method: clinical testing. Allele origin: germline.
Comment: This variant causes a C to G nucleotide substitution at the +6 position of intron 24/41 of the TSC2 gene. To our knowledge, functional studies have not been reported for this variant. This variant has not been reported in individuals affected with TSC2-related disorders in the literature. This variant has been identified in 1/250208 chromosomes in the general population by the Genome Aggregation Database (gnomAD). The available evidence is insufficient to determine the role of this variant in disease conclusively. Therefore, this variant is classified as a Variant of Uncertain Significance.

Genome-Nilou Lab
Classification: Likely benign for Tuberous sclerosis 2. Last evaluated: 2021-11-07. Review status: criteria provided, single submitter. Criteria: ACMG Guidelines, 2015. Collection method: clinical testing. Allele origin: germline. Affected: no.

GeneDx
Classification: Likely benign. Last evaluated: 2019-07-18. Review status: criteria provided, single submitter. Criteria: GeneDx Variant Classification Process June 2021. Collection method: clinical testing. Allele origin: germline. Affected: yes.